The following is an entry in ClinVar:

NC_000023.11:g.38276655C>T

Gene: RPGR (retinitis pigmentosa GTPase regulator; minus strand). Cytogenetic location: Xp11.4.
Variant type: single nucleotide variant.
Molecular consequence: non-coding transcript variant (on NR_159804.1). On other transcripts: missense variant (8).
Genome position: GRCh38 VCF-style: chrX-38276655-C-T. GRCh37 (hg19) VCF-style: chrX-38135908-C-T.
Other names: c.2023G>A, p.Gly675Ser (NM_000328.3); c.2020G>A, p.Gly674Ser (NM_001367245.1); c.1837G>A, p.Gly613Ser (NM_001367246.1); c.1690G>A, p.Gly564Ser (NM_001367247.1); c.1720G>A, p.Gly574Ser (NM_001367248.1); c.1687G>A, p.Gly563Ser (NM_001367249.1, NM_001367250.1); c.1504G>A, p.Gly502Ser (NM_001367251.1); short protein forms G564S, G574S, G675S, G502S, G563S, G613S, G674S.
Identifiers: ClinVar variation 2095567 (VCV002095567.5), dbSNP rs750741536, ClinGen allele CA10385114.

ClinVar aggregate classification (germline): Conflicting classifications of pathogenicity. Review status: criteria provided, conflicting classifications (1 of 4 stars). 2 submissions from 2 submitters: Uncertain significance (1); Likely benign (1). Last evaluated 2024-10-29.

Conditions:
Primary ciliary dyskinesia. Also called: Ciliary dyskinesia. Identifiers: Orphanet 244, MedGen C0008780, MONDO:0016575, HP:0012265.

Allele frequency attached by ClinVar (database versions not stated): ExAC 0.00002; gnomAD 0.00001; gnomAD exomes 0.00001; TOPMed 0.00001.
gnomAD v4.1: 12 of 1,208,831 alleles (0.00099%); highest among the groups gnomAD compares: Admixed American, 0.0022%; no homozygotes.

Submissions (2):

Labcorp Genetics (formerly Invitae), Labcorp
Classification: Uncertain significance for Primary ciliary dyskinesia. Last evaluated: 2024-10-29. Review status: criteria provided, single submitter. Criteria: Invitae Variant Classification Sherloc (09022015). Collection method: clinical testing. Allele origin: germline.
Comment: This sequence change replaces glycine, which is neutral and non-polar, with serine, which is neutral and polar, at codon 675 of the RPGR protein (p.Gly675Ser). This variant is present in population databases (rs750741536, gnomAD 0.004%). This variant has not been reported in the literature in individuals affected with RPGR-related conditions. ClinVar contains an entry for this variant (Variation ID: 2095567). Invitae Evidence Modeling of protein sequence and biophysical properties (such as structural, functional, and spatial information, amino acid conservation, physicochemical variation, residue mobility, and thermodynamic stability) indicates that this missense variant is not expected to disrupt RPGR protein function with a negative predictive value of 95%. In summary, the available evidence is currently insufficient to determine the role of this variant in disease. Therefore, it has been classified as a Variant of Uncertain Significance.

Blueprint Genetics
Classification: Likely benign. Last evaluated: 2024-01-11. Review status: criteria provided, single submitter. Criteria: ACMG Guidelines, 2015. Collection method: clinical testing. Allele origin: germline.